The following is an entry in ClinVar:

ClinVar aggregate classification (germline): Uncertain significance. Review status: criteria provided, multiple submitters, no conflicts (2 of 4 stars). 3 submissions from 3 submitters: Uncertain significance (3). Last evaluated 2025-02-19.

Conditions:
Inborn genetic diseases. Identifiers: MedGen C0950123, MeSH D030342.
Familial cold autoinflammatory syndrome 3 (FCAS3). Also called: ANTIBODY DEFICIENCY AND IMMUNE DYSREGULATION, PLCG2-ASSOCIATED; FAMILIAL ATYPICAL COLD URTICARIA. Identifiers: Orphanet 300359, MedGen C3280914, MONDO:0013766, OMIM 614468.

Allele frequency attached by ClinVar (database versions not stated): gnomAD exomes below 0.00001 and 0.00001; TOPMed below 0.00001; gnomAD 0.00001.
gnomAD v4.1: 15 of 1,613,890 alleles (0.00093%); highest among the groups gnomAD compares: African/African-American, 0.0027%; no homozygotes.

Submissions (3):

Labcorp Genetics (formerly Invitae), Labcorp
Classification: Uncertain significance for Familial cold autoinflammatory syndrome 3. Last evaluated: 2025-02-19. Review status: criteria provided, single submitter. Criteria: Invitae Variant Classification Sherloc (09022015). Collection method: clinical testing. Allele origin: germline.
Comment: This sequence change replaces isoleucine, which is neutral and non-polar, with valine, which is neutral and non-polar, at codon 98 of the PLCG2 protein (p.Ile98Val). This variant is not present in population databases (gnomAD no frequency). This variant has not been reported in the literature in individuals affected with PLCG2-related conditions. ClinVar contains an entry for this variant (Variation ID: 1352242). An algorithm developed to predict the effect of missense changes on protein structure and function outputs the following: PolyPhen-2: "Benign". The valine amino acid residue is found in multiple mammalian species, which suggests that this missense change does not adversely affect protein function. In summary, the available evidence is currently insufficient to determine the role of this variant in disease. Therefore, it has been classified as a Variant of Uncertain Significance.

Ambry Genetics
Classification: Uncertain significance for Inborn genetic diseases. Last evaluated: 2023-03-28. Review status: criteria provided, single submitter. Criteria: Ambry Variant Classification Scheme 2023. Collection method: clinical testing. Allele origin: germline.

Blueprint Genetics
Classification: Uncertain significance. Last evaluated: 2022-03-28. Review status: criteria provided, single submitter. Criteria: ACMG Guidelines, 2015. Collection method: clinical testing. Allele origin: germline.

NM_002661.5(PLCG2):c.292A>G (p.Ile98Val)

Gene: PLCG2 (phospholipase C gamma 2; plus strand). Cytogenetic location: 16q23.3.
Variant type: single nucleotide variant.
Coding change: c.292A>G on transcript NM_002661.5 (MANE Select); coding-DNA position 292, A replaced by G.
Protein change: p.Ile98Val; replaces isoleucine 98 with valine.
Molecular consequence: missense variant.
Genome position (GRCh38, 1-based): chr16:81,854,542, A>G. VCF-style: chr16-81854542-A-G. GRCh37 (hg19) VCF-style: chr16-81888147-A-G.
Other names: c.292A>G (NM_002661.3); short protein forms I98V.
Identifiers: ClinVar variation 1352242 (VCV001352242.8), dbSNP rs1273224701, ClinGen allele CA396900661.
Genomic context (GRCh38, chr16:81,854,542, plus strand): 5'-AACTCCAAAGATTTCGAGCGAGCAAAAGCAGTTCGCCAGAAAGAAGACTGCTGCTTCACC[A>G]TCCTATATGGCACTCAGTTCGTCCTCAGCACGCTCAGCTTGGCAGGTAGGTGCATGTTTC-3'
Protein context (NP_002652.2, residues 88-108): VRQKEDCCFT[Ile98Val]LYGTQFVLST